The following is an entry in ClinVar:

ClinVar aggregate classification (germline): Pathogenic (1 of 4 stars; one submission).

Conditions:
Nephronophthisis. Also called: Juvenile Nephronophthisis. Identifiers: Orphanet 655, MedGen C0687120, MONDO:0019005, HP:0000090.

Submission:

Labcorp Genetics (formerly Invitae), Labcorp
Classification: Pathogenic for Nephronophthisis. Last evaluated: 2024-11-03. Review status: criteria provided, single submitter. Criteria: Invitae Variant Classification Sherloc (09022015). Collection method: clinical testing. Allele origin: germline.
Comment: This sequence change creates a premature translational stop signal (p.Cys471*) in the INVS gene. It is expected to result in an absent or disrupted protein product. Loss-of-function variants in INVS are known to be pathogenic (PMID: 12872123). This variant is not present in population databases (gnomAD no frequency). This variant has not been reported in the literature in individuals affected with INVS-related conditions. For these reasons, this variant has been classified as Pathogenic.

Literature cited by the submitters: PubMed 12872123.

NM_014425.5(INVS):c.1413C>A (p.Cys471Ter)

Gene: INVS (inversin; plus strand). Cytogenetic location: 9q31.1.
Variant type: single nucleotide variant.
Coding change: c.1413C>A on transcript NM_014425.5 (MANE Select); coding-DNA position 1413, C replaced by A.
Protein change: p.Cys471Ter; replaces cysteine 471 with a stop codon.
Molecular consequence: nonsense. On other transcripts: non-coding transcript variant (1).
Genome position (GRCh38, 1-based): chr9:100,253,085, C>A. VCF-style: chr9-100253085-C-A. GRCh37 (hg19) VCF-style: chr9-103015367-C-A.
Other names: c.1125C>A, p.Cys375Ter (NM_001318381.2); c.435C>A, p.Cys145Ter (NM_001318382.2); short protein forms C375*, C145*, C471*.
Identifiers: ClinVar variation 3724563 (VCV003724563.2).